The following is an entry in ClinVar:

ClinVar aggregate classification (germline): Uncertain significance (1 of 4 stars; one submission).

gnomAD v4.1: 2 of 1,614,222 alleles (0.00012%); no homozygotes.

Submission:

Labcorp Genetics (formerly Invitae), Labcorp
Classification: Uncertain significance. Last evaluated: 2024-09-27. Review status: criteria provided, single submitter. Criteria: Invitae Variant Classification Sherloc (09022015). Collection method: clinical testing. Allele origin: germline.
Comment: This sequence change replaces serine, which is neutral and polar, with phenylalanine, which is neutral and non-polar, at codon 2531 of the RNF213 protein (p.Ser2531Phe). This variant is present in population databases (no rsID available, gnomAD 0.01%). This variant has not been reported in the literature in individuals affected with RNF213-related conditions. An algorithm developed to predict the effect of missense changes on protein structure and function (PolyPhen-2) suggests that this variant is likely to be disruptive. In summary, the available evidence is currently insufficient to determine the role of this variant in disease. Therefore, it has been classified as a Variant of Uncertain Significance.

NM_001256071.3(RNF213):c.7592C>T (p.Ser2531Phe)

Gene: RNF213 (ring finger protein 213; plus strand). Cytogenetic location: 17q25.3.
Variant type: single nucleotide variant.
Coding change: c.7592C>T on transcript NM_001256071.3 (MANE Select); coding-DNA position 7592, C replaced by T.
Protein change: p.Ser2531Phe; replaces serine 2531 with phenylalanine.
Molecular consequence: missense variant.
Genome position (GRCh38, 1-based): chr17:80,345,927, C>T. VCF-style: chr17-80345927-C-T. GRCh37 (hg19) VCF-style: chr17-78319727-C-T.
Other names: c.7739C>T, p.Ser2580Phe (NM_001410195.1, NM_020914.5); short protein forms S2531F, S2580F.
Identifiers: ClinVar variation 3678791 (VCV003678791.2).